The following is an entry in ClinVar:

NM_003193.5(TBCE):c.1174G>A (p.Glu392Lys)

Gene: TBCE (tubulin folding cofactor E; plus strand). Cytogenetic location: 1q42.3.
Variant type: single nucleotide variant.
Coding change: c.1174G>A on transcript NM_003193.5 (MANE Select); coding-DNA position 1174, G replaced by A.
Protein change: p.Glu392Lys; replaces glutamic acid 392 with lysine.
Molecular consequence: missense variant.
Genome position (GRCh38, 1-based): chr1:235,438,826, G>A. VCF-style: chr1-235438826-G-A. GRCh37 (hg19) VCF-style: chr1-235602141-G-A.
Other names: c.1174G>A, p.Glu392Lys (NM_001079515.3); c.1327G>A, p.Glu443Lys (NM_001287801.2); c.835G>A, p.Glu279Lys (NM_001287802.2); short protein forms E279K, E392K, E443K.
Identifiers: ClinVar variation 1054988 (VCV001054988.5), dbSNP rs1681632308, ClinGen allele CA344945034.

ClinVar aggregate classification (germline): Uncertain significance (1 of 4 stars; one submission).

Allele frequency attached by ClinVar (database versions not stated): gnomAD exomes 0.00001.

Submission:

Labcorp Genetics (formerly Invitae), Labcorp
Classification: Uncertain significance. Last evaluated: 2021-11-03. Review status: criteria provided, single submitter. Criteria: Invitae Variant Classification Sherloc (09022015). Collection method: clinical testing. Allele origin: germline.
Comment: In summary, the available evidence is currently insufficient to determine the role of this variant in disease. Therefore, it has been classified as a Variant of Uncertain Significance. Algorithms developed to predict the effect of missense changes on protein structure and function are either unavailable or do not agree on the potential impact of this missense change (SIFT: "Tolerated"; PolyPhen-2: "Possibly Damaging"; Align-GVGD: "Class C0"). ClinVar contains an entry for this variant (Variation ID: 1054988). This variant has not been reported in the literature in individuals affected with TBCE-related conditions. This variant is not present in population databases (gnomAD no frequency). This sequence change replaces glutamic acid, which is acidic and polar, with lysine, which is basic and polar, at codon 392 of the TBCE protein (p.Glu392Lys).